The following is an entry in ClinVar:

ClinVar aggregate classification (germline): Uncertain significance. Review status: criteria provided, multiple submitters, no conflicts (2 of 4 stars). 2 submissions from 2 submitters: Uncertain significance (2). Last evaluated 2024-03-15.

Allele frequency attached by ClinVar (database versions not stated): gnomAD exomes 0.00002 and 0.00006; gnomAD 0.00004 and 0.00007; TOPMed 0.00004; ExAC 0.00006; 1000 Genomes Project 0.00040; 1000 Genomes Project 30x 0.00047.
gnomAD v4.1: 36 of 1,612,688 alleles (0.0022%); highest among the groups gnomAD compares: East Asian, 0.06%; no homozygotes.

Submissions (2):

Ambry Genetics
Classification: Uncertain significance. Last evaluated: 2024-03-15. Review status: criteria provided, single submitter. Criteria: Ambry Variant Classification Scheme 2023. Collection method: clinical testing. Allele origin: germline.

Labcorp Genetics (formerly Invitae), Labcorp
Classification: Uncertain significance. Last evaluated: 2023-11-28. Review status: criteria provided, single submitter. Criteria: Invitae Variant Classification Sherloc (09022015). Collection method: clinical testing. Allele origin: germline.
Comment: This sequence change replaces serine, which is neutral and polar, with asparagine, which is neutral and polar, at codon 565 of the DEF6 protein (p.Ser565Asn). This variant is present in population databases (rs199692410, gnomAD 0.08%). This variant has not been reported in the literature in individuals affected with DEF6-related conditions. ClinVar contains an entry for this variant (Variation ID: 1437979). An algorithm developed to predict the effect of missense changes on protein structure and function (PolyPhen-2) suggests that this variant¬†is likely to be tolerated. In summary, the available evidence is currently insufficient to determine the role of this variant in disease. Therefore, it has been classified as a Variant of Uncertain Significance.

NM_022047.4(DEF6):c.1694G>A (p.Ser565Asn)

Gene: DEF6 (DEF6 guanine nucleotide exchange factor; plus strand). Cytogenetic location: 6p21.31.
Variant type: single nucleotide variant.
Coding change: c.1694G>A on transcript NM_022047.4 (MANE Select); coding-DNA position 1694, G replaced by A.
Protein change: p.Ser565Asn; replaces serine 565 with asparagine.
Molecular consequence: missense variant.
Genome position (GRCh38, 1-based): chr6:35,321,208, G>A. VCF-style: chr6-35321208-G-A. GRCh37 (hg19) VCF-style: chr6-35288985-G-A.
Other names: c.1694G>A (NM_022047.3); short protein forms S565N.
Identifiers: ClinVar variation 1437979 (VCV001437979.5), dbSNP rs199692410, ClinGen allele CA3770992.